The following is an entry in ClinVar:

NM_001161352.2(KCNMA1):c.428A>C (p.Lys143Thr)

Gene: KCNMA1 (potassium calcium-activated channel subfamily M alpha 1; minus strand). Cytogenetic location: 10q22.3.
Variant type: single nucleotide variant.
Coding change: c.428A>C on transcript NM_001161352.2 (MANE Select); coding-DNA position 428, A replaced by C.
Protein change: p.Lys143Thr; replaces lysine 143 with threonine.
Molecular consequence: missense variant. On other transcripts: intron variant (1).
Genome position (GRCh38, 1-based): chr10:77,403,974, T>G on the plus strand (A>C on the coding strand, the complement: KCNMA1 is on the minus strand). VCF-style: chr10-77403974-T-G. GRCh37 (hg19) VCF-style: chr10-79163732-T-G.
Other names: c.428A>C, p.Lys143Thr (NM_001014797.3, NM_001161353.2, NM_001271519.2 and 8 more transcripts); c.379-152718A>C (NM_001271518.2); short protein forms K143T.
Identifiers: ClinVar variation 1921593 (VCV001921593.5), dbSNP rs1445067391, ClinGen allele CA377411163.
Genomic context (GRCh38, chr10:77,403,974, plus strand): 5'-TTCACGGAGGTCATCCAGCCGACCTCGGCGGCCACTGCCTCCTCTTTTTCATCCACTGGT[T>G]TGAGAGTGCCATCCGCCTGGCTTGAGCCATTGTTAATCTTCTGGGCCTCCTGGCAACAGA-3'
Protein context (NP_001154824.1, residues 133-153): NGSSQADGTL[Lys143Thr]PVDEKEEAVA

ClinVar aggregate classification (germline): Uncertain significance (1 of 4 stars; one submission).

Conditions:
Generalized epilepsy-paroxysmal dyskinesia syndrome (PNKD3). Also called: Generalized epilepsy and paroxysmal dyskinesia; Paroxysmal nonkinesigenic dyskinesia, 3, with or without generalized epilepsy. Identifiers: Orphanet 79137, MedGen C5574945, MONDO:0012276, OMIM 609446.

Allele frequency attached by ClinVar (database versions not stated): gnomAD 0.00001.
gnomAD v4.1: 1 of 1,614,072 alleles (0.000062%); highest among the groups gnomAD compares: African/African-American, 0.0013%; no homozygotes.

Submission:

Labcorp Genetics (formerly Invitae), Labcorp
Classification: Uncertain significance for Generalized epilepsy-paroxysmal dyskinesia syndrome. Last evaluated: 2022-08-16. Review status: criteria provided, single submitter. Criteria: Invitae Variant Classification Sherloc (09022015). Collection method: clinical testing. Allele origin: germline.
Comment: This sequence change replaces lysine, which is basic and polar, with threonine, which is neutral and polar, at codon 143 of the KCNMA1 protein (p.Lys143Thr). This variant is present in population databases (no rsID available, gnomAD 0.01%). This variant has not been reported in the literature in individuals affected with KCNMA1-related conditions. Algorithms developed to predict the effect of missense changes on protein structure and function are either unavailable or do not agree on the potential impact of this missense change (SIFT: "Tolerated"; PolyPhen-2: "Possibly Damaging"; Align-GVGD: "Class C0"). In summary, the available evidence is currently insufficient to determine the role of this variant in disease. Therefore, it has been classified as a Variant of Uncertain Significance.